The following is an entry in ClinVar:

ClinVar aggregate classification (germline): Pathogenic/Likely pathogenic. Review status: criteria provided, multiple submitters, no conflicts (2 of 4 stars). 2 submissions from 2 submitters: Pathogenic (1); Likely pathogenic (1). Last evaluated 2022-10-10.

Conditions:
Early-infantile DEE. Also called: Ohtahara syndrome; Early infantile epileptic encephalopathy; Early infantile epileptic encephalopathy with suppression bursts. Identifiers: Orphanet 1934, MedGen C0393706, MONDO:0800491.

Submissions (2):

Labcorp Genetics (formerly Invitae), Labcorp
Classification: Pathogenic for Early-infantile DEE. Last evaluated: 2022-10-10. Review status: criteria provided, single submitter. Criteria: Invitae Variant Classification Sherloc (09022015). Collection method: clinical testing. Allele origin: germline.
Comment: For these reasons, this variant has been classified as Pathogenic. Advanced modeling of protein sequence and biophysical properties (such as structural, functional, and spatial information, amino acid conservation, physicochemical variation, residue mobility, and thermodynamic stability) performed at Invitae indicates that this missense variant is expected to disrupt SCN1A protein function. ClinVar contains an entry for this variant (Variation ID: 206880). This missense change has been observed in individual(s) with clinical features of a neurodevelopmental disorder and/or clinical features of genetic epilepsy with febrile seizures plus (PMID: 29655203, 31720899). It has also been observed to segregate with disease in related individuals. This variant is not present in population databases (gnomAD no frequency). This sequence change replaces serine, which is neutral and polar, with phenylalanine, which is neutral and non-polar, at codon 1918 of the SCN1A protein (p.Ser1918Phe).

GeneDx
Classification: Likely pathogenic. Last evaluated: 2013-01-02. Review status: criteria provided, single submitter. Criteria: GeneDx Variant Classification (06012015). Collection method: clinical testing. Allele origin: germline. Affected: yes.
Comment: The Ser1918Phe missense change in the SCN1A gene has not been published as a pathogenic variant, nor has it been reported as a benign polymorphism to our knowledge. Another missense substitution at the same codon (Ser1918Thr) has been reported in a child with generalized epilepsy with febrile seizures (GEFS+) who inherited it from the mother; clinical phenotype of the mother is unknown (personal communication with an external expert). The NHLBI ESP Exome Variant Project has not identified Ser1918Phe in approximately 6,500 individuals of European or African American ethnicity, indicating that it is not a common benign variant in these populations. The amino acid substitution is non-conservative as a polar Serine residue is replaced by a non-polar Phenylalanine residue. Ser1918Phe alters a conserved position in the C-terminal of the SCN1A protein and other missense mutations in this region have been reported in association with SCN1A-related disorders in an external mutation database. In addition, multiple in-silico algorithms predict Ser1918Phe may be damaging to the protein structure/function. Therefore, the currently available information suggests that Ser1918Phe may be a pathogenic variant but the possibility that it is a rare benign variant cannot be excluded.

Literature cited by the submitters: PubMed 29655203 (cited by Labcorp Genetics (formerly Invitae), Labcorp); PubMed 31720899 (cited by Labcorp Genetics (formerly Invitae), Labcorp).

NM_001165963.4(SCN1A):c.5753C>T (p.Ser1918Phe)

Genes: SCN1A (sodium voltage-gated channel alpha subunit 1; minus strand), LOC102724058 (uncharacterized LOC102724058; plus strand). Cytogenetic location: 2q24.3.
Variant type: single nucleotide variant.
Coding change: c.5753C>T on transcript NM_001165963.4 (MANE Select); coding-DNA position 5753, C replaced by T.
Protein change: p.Ser1918Phe; replaces serine 1918 with phenylalanine.
Molecular consequence: missense variant. On other transcripts: non-coding transcript variant (1).
Genome position (GRCh38, 1-based): chr2:165,991,522, G>A on the plus strand (C>T on the coding strand, the complement: SCN1A is on the minus strand). VCF-style: chr2-165991522-G-A. GRCh37 (hg19) VCF-style: chr2-166848032-G-A.
Other names: p.S1918F:TCT>TTT; c.5669C>T, p.Ser1890Phe (NM_001165964.3, NM_001353957.2, NM_001353958.2); c.5753C>T, p.Ser1918Phe (NM_001202435.3, NM_001353948.2); c.5720C>T, p.Ser1907Phe (NM_001353949.2, NM_001353950.2, NM_001353951.2 and 2 more transcripts); c.5717C>T, p.Ser1906Phe (NM_001353954.2, NM_001353955.2); c.5666C>T, p.Ser1889Phe (NM_001353960.2); c.3311C>T, p.Ser1104Phe (NM_001353961.2); short protein forms S1907F, S1918F, S1104F, S1890F, S1889F, S1906F.
Identifiers: ClinVar variation 206880 (VCV000206880.6), dbSNP rs796053048, ClinGen allele CA317662.